The following is an entry in ClinVar:

ClinVar aggregate classification (germline): Conflicting classifications of pathogenicity. Review status: criteria provided, conflicting classifications (1 of 4 stars). 3 submissions from 1 submitter: Uncertain significance (2); Likely benign (1). Last evaluated 2018-01-13.

Conditions:
Pyropoikilocytosis, hereditary. Also called: Pyropoikilocytosis. Identifiers: MedGen C0520739, MONDO:0009948, OMIM 266140, HP:0004839. Disease mechanism: loss of function.
Hereditary spherocytosis type 3. Also called: Spherocytosis type 3; SPTA1-Related Spherocytosis. Identifiers: Orphanet 822, MedGen C2678338, MONDO:0010053, OMIM 270970.
Elliptocytosis 2 (EL2). Also called: ELLIPTOCYTOSIS, RHESUS-UNLINKED TYPE. Identifiers: Orphanet 288, MedGen C1851741, MONDO:0007533, OMIM 130600.

Allele frequency attached by ClinVar (database versions not stated): gnomAD below 0.00001 and 0.00006; TOPMed 0.00002; gnomAD exomes 0.00010 and 0.00024; ExAC 0.00032; 1000 Genomes Project 30x 0.00047; 1000 Genomes Project 0.00060.
gnomAD v4.1: 158 of 1,614,062 alleles (0.0098%); highest among the groups gnomAD compares: South Asian, 0.16%; 3 homozygotes.

Submissions (3):

Illumina Laboratory Services, Illumina
Classification: Uncertain significance for Pyropoikilocytosis, hereditary. Last evaluated: 2018-01-13. Review status: criteria provided, single submitter. Criteria: ICSL Variant Classification Criteria 13 December 2019. Collection method: clinical testing. Allele origin: germline.

Illumina Laboratory Services, Illumina
Classification: Likely benign for Elliptocytosis 2. Last evaluated: 2018-01-13. Review status: criteria provided, single submitter. Criteria: ICSL Variant Classification Criteria 13 December 2019. Collection method: clinical testing. Allele origin: germline.
Comment: This variant was observed in the ICSL laboratory as part of a predisposition screen in an ostensibly healthy population. It had not been previously curated by ICSL or reported in the Human Gene Mutation Database (HGMD: prior to June 1st, 2018), and was therefore a candidate for classification through an automated scoring system. Utilizing variant allele frequency, disease prevalence and penetrance estimates, and inheritance mode, an automated score was calculated to assess if this variant is too frequent to cause the disease. Based on the score and internal cut-off values, a variant classified as likely benign is not then subjected to further curation. The score for this variant resulted in a classification of likely benign for this disease.

Illumina Laboratory Services, Illumina
Classification: Uncertain significance for Hereditary spherocytosis type 3. Last evaluated: 2018-01-13. Review status: criteria provided, single submitter. Criteria: ICSL Variant Classification Criteria 13 December 2019. Collection method: clinical testing. Allele origin: germline.

NM_003126.4(SPTA1):c.1698C>T (p.Ala566=)

Gene: SPTA1 (spectrin alpha, erythrocytic 1; minus strand). Cytogenetic location: 1q23.1.
Variant type: single nucleotide variant.
Coding change: c.1698C>T on transcript NM_003126.4 (MANE Select); coding-DNA position 1698, C replaced by T.
Protein change: p.Ala566=; no amino-acid change (alanine 566 retained).
Molecular consequence: synonymous variant.
Genome position (GRCh38, 1-based): chr1:158,669,543, G>A on the plus strand (C>T on the coding strand, the complement: SPTA1 is on the minus strand). VCF-style: chr1-158669543-G-A. GRCh37 (hg19) VCF-style: chr1-158639333-G-A.
Identifiers: ClinVar variation 293031 (VCV000293031.5), dbSNP rs561401543, ClinGen allele CA1183644.
Genomic context (GRCh38, chr1:158,669,543, plus strand): 5'-TTTTTGCAGAAGCAATGACTCCTTCAGCAATCTACGTCTAGTGGCAGCCTTTTCACGTAG[G>A]GCATCCCGCCGGGCTAACAGCTGCAAAAACCATGAGTAAACTTACTGTCAGCACAACCAA-3'
Protein context (NP_003117.2, residues 556-576): IRDGLLARRD[Ala566=]LREKAATRRR